The following is an entry in ClinVar:

ClinVar aggregate classification (germline): Benign. Review status: criteria provided, multiple submitters, no conflicts (2 of 4 stars). 7 submissions from 7 submitters: Benign (7). Last evaluated 2026-02-04.

Conditions:
Cardiovascular phenotype. Identifiers: MedGen CN230736.
Brugada syndrome. Also called: Sudden Unexplained Death Syndrome; Sudden Unexplained Nocturnal Death Syndrome (SUNDS); Sudden unexpected nocturnal death syndrome; Sudden unexplained nocturnal death syndrome. Identifiers: Orphanet 130, MedGen C1142166, MONDO:0015263.

Allele frequency attached by ClinVar (database versions not stated): 1000 Genomes Project 30x 0.22111; gnomAD 0.25231 and 0.25515; ExAC 0.28586; gnomAD exomes 0.29988 and 0.29056; 1000 Genomes Project 0.22264; TOPMed 0.25041; ESP Exome Variant Server 0.25527.
gnomAD v4.1: 474,248 of 1,606,426 alleles (30%); highest among the groups gnomAD compares: Admixed American, 33%; 72,019 homozygotes.

Submissions (7):

Labcorp Genetics (formerly Invitae), Labcorp
Classification: Benign for Brugada syndrome. Last evaluated: 2026-02-04. Review status: criteria provided, single submitter. Criteria: Invitae Variant Classification Sherloc (09022015). Collection method: clinical testing. Allele origin: germline.

Athena Diagnostics
Classification: Benign. Last evaluated: 2017-04-20. Review status: criteria provided, single submitter. Criteria: Athena Diagnostics Criteria. Collection method: clinical testing. Allele origin: germline.

GeneDx
Classification: Benign. Last evaluated: 2016-09-28. Review status: criteria provided, single submitter. Criteria: GeneDx Variant Classification (06012015). Collection method: clinical testing. Allele origin: germline. Affected: yes.
Comment: This variant is considered likely benign or benign based on one or more of the following criteria: it is a conservative change, it occurs at a poorly conserved position in the protein, it is predicted to be benign by multiple in silico algorithms, and/or has population frequency not consistent with disease.

Ambry Genetics
Classification: Benign for Cardiovascular phenotype. Last evaluated: 2015-06-19. Review status: criteria provided, single submitter. Criteria: Ambry Variant Classification Scheme 2023. Collection method: clinical testing. Allele origin: germline.

Mayo Clinic Laboratories, Mayo Clinic
Classification: Benign. Last evaluated: 2015-01-02. Review status: criteria provided, single submitter. Criteria: ACMG Guidelines, 2015. Collection method: clinical testing. Allele origin: germline. Observed: 290 variant alleles.

Breakthrough Genomics
Classification: Benign. Review status: criteria provided, single submitter. Criteria: ACMG Guidelines, 2015. Collection method: not provided. Allele origin: germline. Inheritance: Autosomal recessive inheritance. Affected: yes.

PreventionGenetics, part of Exact Sciences
Classification: Benign. Review status: criteria provided, single submitter. Criteria: ACMG Guidelines, 2015. Collection method: clinical testing. Allele origin: germline.

NM_000722.4(CACNA2D1):c.3114C>T (p.Pro1038=)

Gene: CACNA2D1 (calcium voltage-gated channel auxiliary subunit alpha2delta 1; minus strand). Cytogenetic location: 7q21.11.
Variant type: single nucleotide variant.
Coding change: c.3114C>T on transcript NM_000722.4 (MANE Select); coding-DNA position 3114, C replaced by T.
Protein change: p.Pro1038=; no amino-acid change (proline 1038 retained).
Molecular consequence: synonymous variant.
Genome position (GRCh38, 1-based): chr7:81,959,320, G>A on the plus strand (C>T on the coding strand, the complement: CACNA2D1 is on the minus strand). VCF-style: chr7-81959320-G-A. GRCh37 (hg19) VCF-style: chr7-81588636-G-A.
Other names: p.Pro1038=; c.3150C>T, p.Pro1050= (NM_001366867.1); c.3114C>T (LRG_437t1).
Identifiers: ClinVar variation 256767 (VCV000256767.19), dbSNP rs1229502, ClinGen allele CA4317379.
Genomic context (GRCh38, chr7:81,959,320, plus strand): 5'-GAAGTGTGATCTTACCAAGACATTGTTATCAAAGCAGACATCAGGCCCTTTTCGGTATCT[G>A]GGTTGCTTAACCATGTCACAAGGATTTGGACCGTCAGCTAAAAGAGACTTGTTAAGGAAT-3'
Protein context (NP_000713.2, residues 1028-1048): GPNPCDMVKQ[Pro1038=]RYRKGPDVCF